The following is an entry in ClinVar:

NM_015001.3(SPEN):c.4356A>T (p.Lys1452Asn)

Gene: SPEN (spen family transcriptional repressor; plus strand). Cytogenetic location: 1p36.13.
Variant type: single nucleotide variant.
Coding change: c.4356A>T on transcript NM_015001.3 (MANE Select); coding-DNA position 4356, A replaced by T.
Protein change: p.Lys1452Asn; replaces lysine 1452 with asparagine.
Molecular consequence: missense variant.
Genome position (GRCh38, 1-based): chr1:15,930,596, A>T. VCF-style: chr1-15930596-A-T. GRCh37 (hg19) VCF-style: chr1-16257091-A-T.
Other names: short protein forms K1452N.
Identifiers: ClinVar variation 3389862 (VCV003389862.14).
Genomic context (GRCh38, chr1:15,930,596, plus strand): 5'-CTCTTTTGCATTGGATAAGACAATCACACCAGACACTAAAGCTTTGCTTGAAAGAGCTAA[A>T]TCCCTCTCTTCATCTCGTGAAGAAAATTGGTCTTTTCTTGATTGGGACTCCCGATTTGCA-3'
Protein context (NP_055816.2, residues 1442-1462): PDTKALLERA[Lys1452Asn]SLSSSREENW

ClinVar aggregate classification (germline): Uncertain significance (1 of 4 stars; one submission).

Submission:

CeGaT Center for Human Genetics Tuebingen
Classification: Uncertain significance. Last evaluated: 2024-10-01. Review status: criteria provided, single submitter. Criteria: CeGaT Center For Human Genetics Tuebingen Variant Classification Criteria Version 2. Collection method: clinical testing. Allele origin: germline. Affected: yes. Observed: 1 variant allele.
Comment: SPEN: PM2, BP1